The following is an entry in ClinVar:

NM_015057.5(MYCBP2):c.1522G>T (p.Ala508Ser)

Gene: MYCBP2 (MYC binding protein 2; minus strand). Cytogenetic location: 13q22.3.
Variant type: single nucleotide variant.
Coding change: c.1522G>T on transcript NM_015057.5 (MANE Select); coding-DNA position 1522, G replaced by T.
Protein change: p.Ala508Ser; replaces alanine 508 with serine.
Molecular consequence: missense variant.
Genome position (GRCh38, 1-based): chr13:77,263,699, C>A on the plus strand (G>T on the coding strand, the complement: MYCBP2 is on the minus strand). VCF-style: chr13-77263699-C-A. GRCh37 (hg19) VCF-style: chr13-77837834-C-A.
Other names: short protein forms A508S.
Identifiers: ClinVar variation 3392956 (VCV003392956.2).

ClinVar aggregate classification (germline): Uncertain significance (1 of 4 stars; one submission).

Submission:

GeneDx
Classification: Uncertain significance. Last evaluated: 2025-03-07. Review status: criteria provided, single submitter. Criteria: GeneDx Variant Classification Process June 2021. Collection method: clinical testing. Allele origin: germline.
Comment: Not observed at significant frequency in large population cohorts (gnomAD); In silico analysis indicates that this missense variant does not alter protein structure/function; Has not been previously published as pathogenic or benign to our knowledge